The following is an entry in ClinVar:

NM_000199.5(SGSH):c.301_303del (p.Phe101del)

Gene: SGSH (N-sulfoglucosamine sulfohydrolase; minus strand). Cytogenetic location: 17q25.3.
Variant type: Deletion.
Coding change: c.301_303del on transcript NM_000199.5 (MANE Select); coding-DNA positions 301 to 303, 3 bases deleted (TTC; older notation c.301_303delTTC).
Protein change: p.Phe101del; deletes phenylalanine 101.
Molecular consequence: inframe deletion.
Genome position (GRCh38, 1-based): chr17:80,215,085-80,215,087, GAA deleted on the plus strand (TTC on the coding strand, the reverse complement: SGSH is on the minus strand); deleting any 3 consecutive bases within chr17:80,215,085-80,215,088 gives the same sequence; the c. name uses the placement nearest the transcript's 3' end. VCF-style (leftmost placement, unchanged base first): chr17-80215084-CGAA-C. GRCh37 (hg19) VCF-style: chr17-78188883-CGAA-C.
Other names: c.301_303del, p.Phe101del (NM_001352921.3, NM_001352922.2); short protein forms F101del.
Identifiers: ClinVar variation 2736687 (VCV002736687.5), dbSNP rs1567924625, ClinGen allele CA627722948.
Genomic context (GRCh38, chr17:80,215,084, plus strand): 5'-GGTCCTCACCTGTGCGCACACCAGCTTGGCTGAGCAGCAGCGGCAGGCTCCGCACCTTGT[CGAA>C]GGAGTTGAAGTGGTGCACGTCCTGGTGCAGCCCGTACATCCCATTCTGATGCTGCCAGCA-3'

ClinVar aggregate classification (germline): Conflicting classifications of pathogenicity. Review status: criteria provided, conflicting classifications (1 of 4 stars). 3 submissions from 3 submitters: Pathogenic (1); Likely pathogenic (1); Uncertain significance (1). Last evaluated 2025-09-23.

Conditions:
Mucopolysaccharidosis, MPS-III-A (MPS3A). Also called: HEPARAN SULFATE SULFATASE DEFICIENCY; SANFILIPPO SYNDROME A; SULFAMIDASE DEFICIENCY; MPS III A; Mucopolysaccharidosis type IIIA (Sanfilippo A); MUCOPOLYSACCHARIDOSIS, TYPE IIIA, ATTENUATED. Identifiers: Orphanet 581, Orphanet 79269, MedGen C0086647, MONDO:0009655, OMIM 252900.

Submissions (3):

Myriad Genetics, Inc.
Classification: Uncertain significance for Mucopolysaccharidosis, MPS-III-A. Last evaluated: 2025-09-23. Review status: criteria provided, single submitter. Criteria: Myriad Autosomal Dominant, Autosomal Recessive and X-Linked Classification Criteria (2023). Collection method: clinical testing. Allele origin: unknown.
Comment: NM_000199.3(SGSH):c.301_303delTTC(F101del) is an in-frame deletion classified as a variant of uncertain significance in the context of mucopolysaccharidosis type IIIA. F101del has been observed in a case with relevant disease (PMID: 22976768). Relevant functional assessments of this variant are not available in the literature. F101del has been observed in referenced population frequency databases. In summary, there is insufficient evidence to classify NM_000199.3(SGSH):c.301_303delTTC(F101del) as pathogenic or benign. Please note: this variant was assessed in the context of healthy population screening.

Baylor Genetics
Classification: Likely pathogenic for Mucopolysaccharidosis, MPS-III-A. Last evaluated: 2024-01-21. Review status: criteria provided, single submitter. Criteria: ACMG Guidelines, 2015. Collection method: clinical testing. Allele origin: unknown.

Labcorp Genetics (formerly Invitae), Labcorp
Classification: Pathogenic for Mucopolysaccharidosis, MPS-III-A. Last evaluated: 2023-02-17. Review status: criteria provided, single submitter. Criteria: Invitae Variant Classification Sherloc (09022015). Collection method: clinical testing. Allele origin: germline.
Comment: This variant has been observed in individual(s) with mucopolysaccharidosis type III (PMID: 22976768). For these reasons, this variant has been classified as Pathogenic. This variant disrupts a region of the SGSH protein in which other variant(s) (p.Phe101Ser) have been determined to be pathogenic (PMID: 28283807). This suggests that this is a clinically significant region of the protein, and that variants that disrupt it are likely to be disease-causing. This variant is present in population databases (no rsID available, gnomAD 0.0009%). This variant, c.301_303del, results in the deletion of 1 amino acid(s) of the SGSH protein (p.Phe101del), but otherwise preserves the integrity of the reading frame.

Literature cited by the submitters: PubMed 22976768 (cited by Myriad Genetics, Inc. and Labcorp Genetics (formerly Invitae), Labcorp); PubMed 28283807 (cited by Labcorp Genetics (formerly Invitae), Labcorp).